The following is an entry in ClinVar:

NM_001258392.3(CLPB):c.451A>G (p.Ser151Gly)

Gene: CLPB (ClpB family mitochondrial disaggregase; minus strand). Cytogenetic location: 11q13.4.
Variant type: single nucleotide variant.
Coding change: c.451A>G on transcript NM_001258392.3 (MANE Select); coding-DNA position 451, A replaced by G.
Protein change: p.Ser151Gly; replaces serine 151 with glycine.
Molecular consequence: missense variant.
Genome position (GRCh38, 1-based): chr11:72,430,316, T>C on the plus strand (A>G on the coding strand, the complement: CLPB is on the minus strand). VCF-style: chr11-72430316-T-C. GRCh37 (hg19) VCF-style: chr11-72141360-T-C.
Other names: c.451A>G, p.Ser151Gly (NM_001258393.3, NM_030813.6); c.209A>G, p.Gln70Arg (NM_001258394.3); short protein forms Q70R, S151G.
Identifiers: ClinVar variation 1993082 (VCV001993082.4), dbSNP rs1158267788, ClinGen allele CA381962550.
Genomic context (GRCh38, chr11:72,430,316, plus strand): 5'-GCTCGCCCTGCTCAGCCTCTCCTGTAGGGGAGAGCAAGGCCTGGGGTTCAACTCACCTGC[T>C]GACTTCTTGCATATTGTTGGCACGGGCAGCTTCCAACAGGGCTGCATCTGAAGAGAAAGG-3'
Protein context (NP_001245321.1, residues 141-161): AARANNMQEV[Ser151Gly]RLLSEGADVN

ClinVar aggregate classification (germline): Uncertain significance (1 of 4 stars; one submission).

Conditions:
3-methylglutaconic aciduria, type VIIB (MGCA7B). Also called: CLPB Deficiency; 3-methylglutaconic aciduria with cataracts, neurologic involvement and neutropenia; 3-methylglutaconic aciduria, type VII, with cataracts, neurologic involvement and neutropenia. Identifiers: Orphanet 445038, MedGen C5676893, MONDO:0014561, OMIM 616271.

Allele frequency attached by ClinVar (database versions not stated): TOPMed below 0.00001.
gnomAD v4.1: 2 of 1,613,216 alleles (0.00012%); highest among the groups gnomAD compares: Non-Finnish European, 0.000085%; no homozygotes.

Submission:

Labcorp Genetics (formerly Invitae), Labcorp
Classification: Uncertain significance for 3-methylglutaconic aciduria, type VIIB. Last evaluated: 2022-05-11. Review status: criteria provided, single submitter. Criteria: Invitae Variant Classification Sherloc (09022015). Collection method: clinical testing. Allele origin: germline.
Comment: In summary, the available evidence is currently insufficient to determine the role of this variant in disease. Therefore, it has been classified as a Variant of Uncertain Significance. Algorithms developed to predict the effect of missense changes on protein structure and function (SIFT, PolyPhen-2, Align-GVGD) all suggest that this variant is likely to be tolerated. This variant has not been reported in the literature in individuals affected with CLPB-related conditions. This variant is not present in population databases (gnomAD no frequency). This sequence change replaces serine, which is neutral and polar, with glycine, which is neutral and non-polar, at codon 151 of the CLPB protein (p.Ser151Gly).